The following is an entry in ClinVar:

ClinVar aggregate classification (germline): Uncertain significance (1 of 4 stars; one submission).

Allele frequency attached by ClinVar (database versions not stated): gnomAD 0.00003; ExAC 0.00006; ESP Exome Variant Server 0.00008; 1000 Genomes Project 0.00020; 1000 Genomes Project 30x 0.00031.
gnomAD v4.1: 17 of 1,523,108 alleles (0.0011%); highest among the groups gnomAD compares: Middle Eastern, 0.018%; no homozygotes.

Submission:

Labcorp Genetics (formerly Invitae), Labcorp
Classification: Uncertain significance. Last evaluated: 2023-12-06. Review status: criteria provided, single submitter. Criteria: Invitae Variant Classification Sherloc (09022015). Collection method: clinical testing. Allele origin: germline.
Comment: This sequence change replaces valine, which is neutral and non-polar, with methionine, which is neutral and non-polar, at codon 2193 of the CAD protein (p.Val2193Met). This variant is present in population databases (rs201502721, gnomAD 0.03%). This variant has not been reported in the literature in individuals affected with CAD-related conditions. ClinVar contains an entry for this variant (Variation ID: 1896191). An algorithm developed to predict the effect of missense changes on protein structure and function (PolyPhen-2) suggests that this variant¬†is likely to be tolerated. In summary, the available evidence is currently insufficient to determine the role of this variant in disease. Therefore, it has been classified as a Variant of Uncertain Significance.

NM_004341.5(CAD):c.6577G>A (p.Val2193Met)

Genes: CAD (carbamoyl-phosphate synthetase 2, aspartate transcarbamylase, and dihydroorotase; plus strand), LOC126806172 (CDK7 strongly-dependent group 2 enhancer GRCh37_chr2:27465505-27466704; plus strand). Cytogenetic location: 2p23.3.
Variant type: single nucleotide variant.
Coding change: c.6577G>A on transcript NM_004341.5 (MANE Select); coding-DNA position 6577, G replaced by A.
Protein change: p.Val2193Met; replaces valine 2193 with methionine.
Molecular consequence: missense variant.
Genome position (GRCh38, 1-based): chr2:27,243,417, G>A. VCF-style: chr2-27243417-G-A. GRCh37 (hg19) VCF-style: chr2-27466285-G-A.
Other names: c.6388G>A, p.Val2130Met (NM_001306079.2); short protein forms V2130M, V2193M.
Identifiers: ClinVar variation 1896191 (VCV001896191.3), dbSNP rs201502721, ClinGen allele CA1574281.
Genomic context (GRCh38, chr2:27,243,417, plus strand): 5'-ACAAGCCATCCATGGGCTGCACGATAACACTTCCTTTTTTTTTTTTTTTTTTTTTGCAGC[G>A]TGGAAGTGGACTCGGATCCCCGCGCAGCCTACTTCCGCCAGGCTGAGAACGGCATGTACA-3'
Protein context (NP_004332.2, residues 2183-2203): HPMPRVNEIS[Val2193Met]EVDSDPRAAY